The following is an entry in ClinVar:

NM_001148.6(ANK2):c.10231A>T (p.Thr3411Ser)

Gene: ANK2 (ankyrin 2; plus strand). Cytogenetic location: 4q26.
Variant type: single nucleotide variant.
Coding change: c.10231A>T on transcript NM_001148.6 (MANE Select); coding-DNA position 10231, A replaced by T.
Protein change: p.Thr3411Ser; replaces threonine 3411 with serine.
Molecular consequence: missense variant. On other transcripts: intron variant (68).
Genome position (GRCh38, 1-based): chr4:113,358,849, A>T. VCF-style: chr4-113358849-A-T. GRCh37 (hg19) VCF-style: chr4-114280005-A-T.
Other names: c.9997A>T, p.Thr3333Ser (NM_001386142.1); c.6631A>T, p.Thr2211Ser (NM_001386166.1); c.10372A>T, p.Thr3458Ser (NM_001386174.1); c.10348A>T, p.Thr3450Ser (NM_001386175.1); c.4412-1974A>T (NM_001386186.2, NM_001386148.2); c.4214-1974A>T (NM_001354269.3); c.4292-1974A>T (NM_001386187.2); c.4253-1974A>T (NM_001386147.1); and 35 more; short protein forms T3411S, T3333S, T3458S, T2211S, T3450S.
Identifiers: ClinVar variation 1044307 (VCV001044307.4), dbSNP rs1192955452, ClinGen allele CA357939964.

ClinVar aggregate classification (germline): Uncertain significance. Review status: criteria provided, multiple submitters, no conflicts (2 of 4 stars). 2 submissions from 2 submitters: Uncertain significance (2). Last evaluated 2023-10-03.

Conditions:
Long QT syndrome (LQTS). Identifiers: MedGen C0023976, MeSH D008133, MONDO:0002442. Disease mechanism: loss of function. Inheritance: Various modes of inheritance.
Cardiac arrhythmia, ankyrin-B-related. Also called: ANKYRIN-B SYNDROME. Identifiers: Orphanet 101016, Orphanet 768, MedGen C1970119, MONDO:0010958, OMIM 600919.

Allele frequency attached by ClinVar (database versions not stated): gnomAD exomes 0.00001; gnomAD 0.00002; TOPMed 0.00002.
gnomAD v4.1: 21 of 1,613,988 alleles (0.0013%); highest among the groups gnomAD compares: Non-Finnish European, 0.0017%; no homozygotes.

Submissions (2):

Labcorp Genetics (formerly Invitae), Labcorp
Classification: Uncertain significance for Long QT syndrome. Last evaluated: 2023-10-03. Review status: criteria provided, single submitter. Criteria: Invitae Variant Classification Sherloc (09022015). Collection method: clinical testing. Allele origin: germline.
Comment: This sequence change replaces threonine, which is neutral and polar, with serine, which is neutral and polar, at codon 3411 of the ANK2 protein (p.Thr3411Ser). This variant is present in population databases (no rsID available, gnomAD 0.01%). This variant has not been reported in the literature in individuals affected with ANK2-related conditions. ClinVar contains an entry for this variant (Variation ID: 1044307). An algorithm developed to predict the effect of missense changes on protein structure and function (PolyPhen-2) suggests that this variant¬†is likely to be tolerated. In summary, the available evidence is currently insufficient to determine the role of this variant in disease. Therefore, it has been classified as a Variant of Uncertain Significance.

Fulgent Genetics
Classification: Uncertain significance for Cardiac arrhythmia, ankyrin-B-related. Last evaluated: 2021-11-09. Review status: criteria provided, single submitter. Criteria: ACMG Guidelines, 2015. Collection method: clinical testing. Allele origin: unknown.